The following is an entry in ClinVar:

NM_021020.5(LZTS1):c.-9C>T

Gene: LZTS1 (leucine zipper tumor suppressor 1; minus strand). Cytogenetic location: 8p21.3.
Variant type: single nucleotide variant.
Coding change: c.-9C>T on transcript NM_021020.5 (MANE Select); 9 bases upstream of the start codon, C replaced by T.
Molecular consequence: 5 prime UTR variant.
Genome position (GRCh38, 1-based): chr8:20,255,190, G>A on the plus strand (C>T on the coding strand, the complement: LZTS1 is on the minus strand). VCF-style: chr8-20255190-G-A. GRCh37 (hg19) VCF-style: chr8-20112701-G-A.
Other names: c.-9C>T (NM_001362884.2).
Identifiers: ClinVar variation 3044472 (VCV003044472.2), dbSNP rs75391525, ClinGen allele CA4657624.

ClinVar aggregate classification (germline): Benign (0 of 4 stars; one submission).

Conditions:
LZTS1-related disorder. Also called: LZTS1-related condition.

Allele frequency attached by ClinVar (database versions not stated): gnomAD 0.00097; TOPMed 0.00114; ExAC 0.00241; 1000 Genomes Project 30x 0.00500; 1000 Genomes Project 0.00519.
gnomAD v4.1: 1,597 of 1,606,600 alleles (0.099%); highest among the groups gnomAD compares: East Asian, 3.1%; 27 homozygotes.

Submission:

PreventionGenetics, part of Exact Sciences
Classification: Benign for LZTS1-related condition. Last evaluated: 2019-09-18. Review status: no assertion criteria provided. Collection method: clinical testing. Allele origin: germline.
Comment: This variant is classified as benign based on ACMG/AMP sequence variant interpretation guidelines (Richards et al. 2015 PMID: 25741868, with internal and published modifications).